The following is an entry in ClinVar:

NM_004656.4(BAP1):c.848dup (p.Glu284fs)

Gene: BAP1 (BRCA1 associated deubiquitinase 1; minus strand). Cytogenetic location: 3p21.1.
Variant type: Duplication.
Coding change: c.848dup on transcript NM_004656.4 (MANE Select); coding-DNA position 848, one base duplicated (A; older notation c.848dupA).
Protein change: p.Glu284fs; shifts the reading frame from glutamic acid 284.
Molecular consequence: frameshift variant.
Genome position (GRCh38, 1-based): chr3:52,405,848, T duplicated on the plus strand (A on the coding strand, the reverse complement: BAP1 is on the minus strand). VCF-style (leftmost placement, unchanged base first): chr3-52405847-C-CT. GRCh37 (hg19) VCF-style: chr3-52439863-C-CT.
Other names: c.794dup, p.Glu266fs (NM_001410772.1); short protein forms E284fs, E266fs.
Identifiers: ClinVar variation 2818804 (VCV002818804.3), dbSNP rs2471340903, ClinGen allele CA2739278588.
Genomic context (GRCh38, chr3:52,405,847, plus strand): 5'-TGCAGGGGCCCTGTTTGCTTCCAGCACCAGCGGGGACTTGTTGCTGGCTGACTTGGACTC[C>CT]TCAGGCAGCTGTGACTCTTGAGACTTGTGGGTCTGAATCAGCTCTGGCTGTGTTACTCTT-3'

ClinVar aggregate classification (germline): Pathogenic (1 of 4 stars; one submission).

Conditions:
BAP1-related tumor predisposition syndrome (TPDS1). Also called: BAP1 tumor predisposition syndrome; Tumor susceptibility linked to germline BAP1 mutations; COMMON Syndrome; TUMOR PREDISPOSITION SYNDROME 1. Identifiers: Orphanet 289539, MedGen C3280492, MONDO:0013692, OMIM 614327.

Submission:

Labcorp Genetics (formerly Invitae), Labcorp
Classification: Pathogenic for BAP1-related tumor predisposition syndrome. Last evaluated: 2023-02-20. Review status: criteria provided, single submitter. Criteria: Invitae Variant Classification Sherloc (09022015). Collection method: clinical testing. Allele origin: germline.
Comment: For these reasons, this variant has been classified as Pathogenic. This variant has not been reported in the literature in individuals affected with BAP1-related conditions. This variant is not present in population databases (gnomAD no frequency). This sequence change creates a premature translational stop signal (p.Glu284Glyfs*23) in the BAP1 gene. It is expected to result in an absent or disrupted protein product. Loss-of-function variants in BAP1 are known to be pathogenic (PMID: 21874000, 23684012).

Literature cited by the submitters: PubMed 21874000; PubMed 23684012.